The following is an entry in ClinVar:

NM_178012.5(TUBB2B):c.670G>T (p.Asp224Tyr)

Gene: TUBB2B (tubulin beta 2B class IIb; minus strand). Cytogenetic location: 6p25.2.
Variant type: single nucleotide variant.
Coding change: c.670G>T on transcript NM_178012.5 (MANE Select); coding-DNA position 670, G replaced by T.
Protein change: p.Asp224Tyr; replaces aspartic acid 224 with tyrosine.
Molecular consequence: missense variant.
Genome position (GRCh38, 1-based): chr6:3,225,419, C>A on the plus strand (G>T on the coding strand, the complement: TUBB2B is on the minus strand). VCF-style: chr6-3225419-C-A. GRCh37 (hg19) VCF-style: chr6-3225653-C-A.
Other names: short protein forms D224Y.
Identifiers: ClinVar variation 3774397 (VCV003774397.1).

ClinVar aggregate classification (germline): Likely pathogenic (1 of 4 stars; one submission).

Conditions:
Complex cortical dysplasia with other brain malformations 7. Identifiers: Orphanet 300573, MedGen C3552236, MONDO:0012399, OMIM 610031.

Submission:

Department of Neurosciences, Narayana Health SRCC Children's Hospital, Mumbai
Classification: Likely pathogenic for Complex cortical dysplasia with other brain malformations 7. Last evaluated: 2025-03-06. Review status: criteria provided, single submitter. Criteria: ACMG Guidelines, 2015. Collection method: clinical testing. Allele origin: maternal. Inheritance: Autosomal dominant inheritance. Affected: yes. Observed: 1 heterozygote.
Comment: The identified heterozygous missense variation in exon 4 of the TUBB2B gene (chr6:g.3225419C>A; Depth: 138x) results in an amino acid change from Tyrosine to Aspartic Acid at codon 224. The variant has not been reported in the 1000 genomes and gnomAD databases. The variant is predicted to be damaging by in silico predictors PolyPhen-2, SIFT, LRT and MutationTaster2. The reference codon is conserved across species.